The following is an entry in ClinVar:

ClinVar aggregate classification (germline): Uncertain significance (1 of 4 stars; one submission).

Conditions:
Pitt-Hopkins syndrome (PTHS). Also called: ENCEPHALOPATHY, SEVERE EPILEPTIC, WITH AUTONOMIC DYSFUNCTION; MENTAL RETARDATION, SYNDROMAL, WITH INTERMITTENT HYPERVENTILATION. Identifiers: Orphanet 2896, MedGen C1970431, MONDO:0012589, OMIM 610954.

Submission:

Labcorp Genetics (formerly Invitae), Labcorp
Classification: Uncertain significance for Pitt-Hopkins syndrome. Last evaluated: 2024-09-08. Review status: criteria provided, single submitter. Criteria: Invitae Variant Classification Sherloc (09022015). Collection method: clinical testing. Allele origin: germline.
Comment: This sequence change replaces arginine, which is basic and polar, with serine, which is neutral and polar, at codon 392 of the TCF4 protein (p.Arg392Ser). This variant is not present in population databases (gnomAD no frequency). This variant has not been reported in the literature in individuals affected with TCF4-related conditions. Invitae Evidence Modeling of protein sequence and biophysical properties (such as structural, functional, and spatial information, amino acid conservation, physicochemical variation, residue mobility, and thermodynamic stability) indicates that this missense variant is not expected to disrupt TCF4 protein function with a negative predictive value of 95%. In summary, the available evidence is currently insufficient to determine the role of this variant in disease. Therefore, it has been classified as a Variant of Uncertain Significance.

NM_001083962.2(TCF4):c.1176A>C (p.Arg392Ser)

Gene: TCF4 (transcription factor 4; minus strand). Cytogenetic location: 18q21.2.
Variant type: single nucleotide variant.
Coding change: c.1176A>C on transcript NM_001083962.2 (MANE Select); coding-DNA position 1176, A replaced by C.
Protein change: p.Arg392Ser; replaces arginine 392 with serine.
Molecular consequence: missense variant.
Genome position (GRCh38, 1-based): chr18:55,254,671, T>G on the plus strand (A>C on the coding strand, the complement: TCF4 is on the minus strand). VCF-style: chr18-55254671-T-G. GRCh37 (hg19) VCF-style: chr18-52921902-T-G.
Other names: c.1104A>C, p.Arg368Ser (NM_001369582.1, NM_001369583.1, NM_001369575.1 and 5 more transcripts); c.1101A>C, p.Arg367Ser (NM_001369584.1, NM_001369585.1, NM_001369576.1 and 6 more transcripts); c.1107A>C, p.Arg369Ser (NM_001369586.1); c.1176A>C, p.Arg392Ser (NM_003199.3, NM_001369572.1, NM_001369567.1 and 2 more transcripts); c.1173A>C, p.Arg391Ser (NM_001369573.1, NM_001369574.1, NM_001369569.1 and 2 more transcripts); c.1482A>C, p.Arg494Ser (NM_001243226.3); c.1194A>C, p.Arg398Ser (NM_001243228.2); c.1167A>C, p.Arg389Ser (NM_001243230.2); and 6 more; short protein forms R262S, R369S, R321S, R350S, R392S, R398S, R231S, R367S.
Identifiers: ClinVar variation 3681305 (VCV003681305.2).